The following is an entry in ClinVar:

NM_000138.5(FBN1):c.620C>T (p.Thr207Met)

Gene: FBN1 (fibrillin 1; minus strand). Cytogenetic location: 15q21.1.
Variant type: single nucleotide variant.
Coding change: c.620C>T on transcript NM_000138.5 (MANE Select); coding-DNA position 620, C replaced by T.
Protein change: p.Thr207Met; replaces threonine 207 with methionine.
Molecular consequence: missense variant.
Genome position (GRCh38, 1-based): chr15:48,537,727, G>A on the plus strand (C>T on the coding strand, the complement: FBN1 is on the minus strand). VCF-style: chr15-48537727-G-A. GRCh37 (hg19) VCF-style: chr15-48829924-G-A.
Other names: c.620C>T, p.Thr207Met (NM_001406716.1, NM_001406717.1); short protein forms T207M.
Identifiers: ClinVar variation 3071009 (VCV003071009.2), dbSNP rs202002133, ClinGen allele CA056454.

ClinVar aggregate classification (germline): Uncertain significance. Review status: criteria provided, multiple submitters, no conflicts (2 of 4 stars). 2 submissions from 2 submitters: Uncertain significance (2). Last evaluated 2025-07-11.

Conditions:
Marfan syndrome (MFS). Also called: MARFAN SYNDROME, TYPE I; Marfan syndrome type 1; Marfan's syndrome; Marfan syndrome, classic; FBN1-Related Marfan Syndrome. Identifiers: Orphanet 284963, Orphanet 558, MedGen C0024796, MONDO:0007947, OMIM 154700.
Familial thoracic aortic aneurysm and aortic dissection (TAAD). Also called: Thoracic aortic aneurysms and dissections. Identifiers: Orphanet 91387, MedGen C4707243, MONDO:0019625.

Allele frequency attached by ClinVar (database versions not stated): ExAC 0.00002; gnomAD 0.00001; 1000 Genomes Project 30x 0.00016; 1000 Genomes Project 0.00020; gnomAD exomes 0.00001; TOPMed 0.00002.
gnomAD v4.1: 22 of 1,614,212 alleles (0.0014%); highest among the groups gnomAD compares: African/African-American, 0.0027%; no homozygotes.

Submissions (2):

Color Diagnostics, LLC DBA Color Health
Classification: Uncertain significance for Familial thoracic aortic aneurysm and aortic dissection. Last evaluated: 2025-07-11. Review status: criteria provided, single submitter. Criteria: ACMG Guidelines, 2015. Collection method: clinical testing. Allele origin: germline.
Comment: This missense variant replaces threonine with methionine at codon 207 of the FBN1 protein. Computational prediction suggests that this variant may have a deleterious impact on protein structure and function. To our knowledge, functional studies have not been reported for this variant. This variant has not been reported in individuals affected with FBN1-related disorders in the literature. This variant has been identified in 3/251432 chromosomes in the general population by the Genome Aggregation Database (gnomAD). The available evidence is insufficient to determine the role of this variant in disease conclusively. Therefore, this variant is classified as a Variant of Uncertain Significance.

All of Us Research Program, National Institutes of Health
Classification: Uncertain significance for Marfan syndrome. Last evaluated: 2023-12-01. Review status: criteria provided, single submitter. Criteria: ACMG Guidelines, 2015. Collection method: clinical testing. Allele origin: germline. Inheritance: Autosomal dominant inheritance. Observed: 3 variant alleles, 3 heterozygotes.
Comment: This missense variant replaces threonine with methionine at codon 207 of the FBN1 protein. Computational prediction suggests that this variant may have deleterious impact on protein structure and function (internally defined REVEL score threshold >= 0.7, PMID: 27666373). To our knowledge, functional studies have not been reported for this variant. This variant has not been reported in individuals affected with FBN1-related disorders in the literature. This variant has been identified in 3/251432 chromosomes in the general population by the Genome Aggregation Database (gnomAD). The available evidence is insufficient to determine the role of this variant in disease conclusively. Therefore, this variant is classified as a Variant of Uncertain Significance.

This study involves interpretation of variants in research participants for the purpose of population health screening. Participant phenotype was not available at the time of variant classification. Additional details can be found in publication PMID: 35346344, PMCID: PMC8962531